The following is an entry in ClinVar:

ClinVar aggregate classification (germline): Uncertain significance (1 of 4 stars; one submission).

Conditions:
Inborn genetic diseases. Identifiers: MedGen C0950123, MeSH D030342.

gnomAD v4.1: 6 of 1,612,834 alleles (0.00037%); highest among the groups gnomAD compares: Non-Finnish European, 0.00042%; no homozygotes.

Submission:

Ambry Genetics
Classification: Uncertain significance for Inborn genetic diseases. Last evaluated: 2026-02-20. Review status: criteria provided, single submitter. Criteria: Ambry Variant Classification Scheme 2023. Collection method: clinical testing. Allele origin: germline.
Comment: The c.1732+4A>G intronic variant results from an A to G substitution 4 nucleotides after coding exon 16 in the DDX41 gene. This nucleotide position is highly conserved in available vertebrate species. In silico splice site analysis predicts that this alteration may weaken the native splice donor site; however, direct evidence is insufficient at this time (Ambry internal data). Based on the available evidence, the clinical significance of this variant remains unclear.

NM_016222.4(DDX41):c.1732+4A>G

Gene: DDX41 (DEAD-box helicase 41; minus strand). Cytogenetic location: 5q35.3.
Variant type: single nucleotide variant.
Coding change: c.1732+4A>G on transcript NM_016222.4 (MANE Select); 4 bases into the intron after coding-DNA position 1732, A replaced by G.
Molecular consequence: intron variant.
Genome position (GRCh38, 1-based): chr5:177,512,092, T>C on the plus strand (A>G on the coding strand, the complement: DDX41 is on the minus strand). VCF-style: chr5-177512092-T-C. GRCh37 (hg19) VCF-style: chr5-176939093-T-C.
Other names: c.1354+4A>G (NM_001321830.2, NM_001321732.2).
Identifiers: ClinVar variation 4010270 (VCV004010270.3).